The following is an entry in ClinVar:

NM_001384900.1(SEMA3D):c.2181C>T (p.Leu727=)

Genes: SEMA3D (semaphorin 3D; minus strand), LOC126860094 (BRD4-independent group 4 enhancer GRCh37_chr7:84628763-84629962; plus strand). Cytogenetic location: 7q21.11.
Variant type: single nucleotide variant.
Coding change: c.2181C>T on transcript NM_001384900.1 (MANE Select); coding-DNA position 2181, C replaced by T.
Protein change: p.Leu727=; no amino-acid change (leucine 727 retained).
Molecular consequence: synonymous variant.
Genome position (GRCh38, 1-based): chr7:84,999,593, G>A on the plus strand (C>T on the coding strand, the complement: SEMA3D is on the minus strand). VCF-style: chr7-84999593-G-A. GRCh37 (hg19) VCF-style: chr7-84628909-G-A.
Other names: c.2181C>T, p.Leu727= (NM_001384901.1, NM_001384902.1, NM_001384903.1 and 1 more transcripts).
Identifiers: ClinVar variation 3352443 (VCV003352443.1).

ClinVar aggregate classification (germline): Likely benign (0 of 4 stars; one submission).

Conditions:
SEMA3D-related disorder. Also called: SEMA3D-related condition.

gnomAD v4.1: 8 of 1,613,904 alleles (0.0005%); highest among the groups gnomAD compares: African/African-American, 0.0067%; no homozygotes.

Submission:

PreventionGenetics, part of Exact Sciences
Classification: Likely benign for SEMA3D-related condition. Last evaluated: 2022-11-29. Review status: no assertion criteria provided. Collection method: clinical testing. Allele origin: germline.
Comment: This variant is classified as likely benign based on ACMG/AMP sequence variant interpretation guidelines (Richards et al. 2015 PMID: 25741868, with internal and published modifications).